The following is an entry in ClinVar:

ClinVar aggregate classification (germline): Uncertain significance (1 of 4 stars; one submission).

Conditions:
Charcot-Marie-Tooth disease type 2. Also called: Charcot-Marie-Tooth type 2. Identifiers: Orphanet 64746, MedGen C0270914, MONDO:0018993.

gnomAD v4.1: 2 of 1,614,206 alleles (0.00012%); highest among the groups gnomAD compares: Non-Finnish European, 0.00017%; no homozygotes.

Submission:

Labcorp Genetics (formerly Invitae), Labcorp
Classification: Uncertain significance for Charcot-Marie-Tooth disease type 2. Last evaluated: 2022-03-26. Review status: criteria provided, single submitter. Criteria: Invitae Variant Classification Sherloc (09022015). Collection method: clinical testing. Allele origin: germline.
Comment: In summary, the available evidence is currently insufficient to determine the role of this variant in disease. Therefore, it has been classified as a Variant of Uncertain Significance. Algorithms developed to predict the effect of missense changes on protein structure and function output the following: SIFT: "Tolerated"; PolyPhen-2: "Benign"; Align-GVGD: "Class C0". The glutamic acid amino acid residue is found in multiple mammalian species, which suggests that this missense change does not adversely affect protein function. ClinVar contains an entry for this variant (Variation ID: 1019434). This variant has not been reported in the literature in individuals affected with BSCL2-related conditions. This variant is not present in population databases (gnomAD no frequency). This sequence change replaces aspartic acid, which is acidic and polar, with glutamic acid, which is acidic and polar, at codon 278 of the BSCL2 protein (p.Asp278Glu).

NM_001122955.4(BSCL2):c.1026C>G (p.Asp342Glu)

Genes: BSCL2 (BSCL2 lipid droplet biogenesis associated, seipin; minus strand), HNRNPUL2-BSCL2 (HNRNPUL2-BSCL2 readthrough (NMD candidate); minus strand). Cytogenetic location: 11q12.3.
Variant type: single nucleotide variant.
Coding change: c.1026C>G on transcript NM_001122955.4 (MANE Select); coding-DNA position 1026, C replaced by G.
Protein change: p.Asp342Glu; replaces aspartic acid 342 with glutamic acid.
Molecular consequence: missense variant. On other transcripts: non-coding transcript variant (1).
Genome position (GRCh38, 1-based): chr11:62,691,121, G>C on the plus strand (C>G on the coding strand, the complement: BSCL2 is on the minus strand). VCF-style: chr11-62691121-G-C. GRCh37 (hg19) VCF-style: chr11-62458593-G-C.
Other names: c.692C>G, p.Thr231Arg (NM_001130702.2); c.1026C>G, p.Asp342Glu (NM_001386027.1, NM_001386028.1); c.834C>G, p.Asp278Glu (NM_032667.6); short protein forms D278E, D342E, T231R.
Identifiers: ClinVar variation 1019434 (VCV001019434.8), dbSNP rs1945297760, ClinGen allele CA380958336.